The following is an entry in ClinVar:

ClinVar aggregate classification (germline): Conflicting classifications of pathogenicity. Review status: criteria provided, conflicting classifications (1 of 4 stars). 7 submissions from 7 submitters: Uncertain significance (2); Likely benign (4). 1 of the submissions does not count toward it. Last evaluated 2026-01-26.

Conditions:
Alpha-methylacyl-CoA racemase deficiency (AMACRD). Also called: AMACR deficiency. Identifiers: Orphanet 79095, MedGen C3280428, MONDO:0013681, OMIM 614307. Disease mechanism: loss of function.
AMACR-related disorder. Also called: AMACR-related condition; AMACR-Related Disorders.

Allele frequency attached by ClinVar (database versions not stated): 1000 Genomes Project 30x 0.00031; ExAC 0.00041; ESP Exome Variant Server 0.00055; TOPMed 0.00104.

Submissions (7):

Labcorp Genetics (formerly Invitae), Labcorp
Classification: Likely benign for Alpha-methylacyl-CoA racemase deficiency. Last evaluated: 2026-01-26. Review status: criteria provided, single submitter. Criteria: Invitae Variant Classification Sherloc (09022015). Collection method: clinical testing. Allele origin: germline.

Mayo Clinic Laboratories, Mayo Clinic
Classification: Likely benign. Last evaluated: 2025-08-26. Review status: criteria provided, single submitter. Criteria: ACMG Guidelines, 2015. Collection method: clinical testing. Allele origin: germline. Observed: 3 variant alleles.
Comment: BS1, BP4_moderate

Women's Health and Genetics/Laboratory Corporation of America, LabCorp
Classification: Likely benign. Last evaluated: 2025-03-05. Review status: criteria provided, single submitter. Criteria: LabCorp Variant Classification Summary - May 2015. Collection method: clinical testing. Allele origin: germline.
Comment: Variant summary: AMACR c.109C>A (p.Pro37Thr) results in a non-conservative amino acid change in the encoded protein sequence. Four of five in-silico tools predict a benign effect of the variant on protein function. The variant allele was found at a frequency of 0.00018 in 223470 control chromosomes, predominantly at a frequency of 0.0027 within the African or African-American subpopulation in the gnomAD database. The observed variant frequency within African or African-American control individuals in the gnomAD database exceeds the estimated maximal expected allele frequency for a pathogenic variant in AMACR causing AMACR-Related Disorders phenotype. To our knowledge, no occurrence of c.109C>A in individuals affected with AMACR-Related Disorders and no experimental evidence demonstrating its impact on protein function have been reported. ClinVar contains an entry for this variant (Variation ID: 501618). Based on the evidence outlined above, the variant was classified as likely benign.

Blueprint Genetics
Classification: Likely benign. Last evaluated: 2024-01-09. Review status: criteria provided, single submitter. Criteria: ACMG Guidelines, 2015. Collection method: clinical testing. Allele origin: germline.

Baylor Genetics
Classification: Uncertain significance for Alpha-methylacyl-CoA racemase deficiency. Last evaluated: 2019-12-05. Review status: criteria provided, single submitter. Criteria: ACMG Guidelines, 2015. Collection method: clinical testing. Allele origin: unknown. Affected: yes.
Comment: This variant was determined to be of uncertain significance according to ACMG Guidelines, 2015 [PMID:25741868].

Eurofins Ntd Llc (ga)
Classification: Uncertain significance. Last evaluated: 2017-11-01. Review status: criteria provided, single submitter. Criteria: EGL Classification Definitions 2015. Collection method: clinical testing. Allele origin: germline. Observed: 6 variant alleles, 6 heterozygotes.

PreventionGenetics, part of Exact Sciences
Classification: Likely benign for AMACR-related condition. Last evaluated: 2022-09-14. Review status: no assertion criteria provided. Collection method: clinical testing. Allele origin: germline. Not counted in ClinVar's aggregate classification.
Comment: This variant is classified as likely benign based on ACMG/AMP sequence variant interpretation guidelines (Richards et al. 2015 PMID: 25741868, with internal and published modifications).

NM_014324.6(AMACR):c.109C>A (p.Pro37Thr)

Genes: AMACR (alpha-methylacyl-CoA racemase; minus strand), C1QTNF3-AMACR (C1QTNF3-AMACR readthrough (NMD candidate); minus strand). Cytogenetic location: 5p13.2.
Variant type: single nucleotide variant.
Coding change: c.109C>A on transcript NM_014324.6 (MANE Select); coding-DNA position 109, C replaced by A.
Protein change: p.Pro37Thr; replaces proline 37 with threonine.
Molecular consequence: missense variant.
Genome position (GRCh38, 1-based): chr5:34,007,911, G>T on the plus strand (C>A on the coding strand, the complement: AMACR is on the minus strand). VCF-style: chr5-34007911-G-T. GRCh37 (hg19) VCF-style: chr5-34008016-G-T.
Other names: p.Pro37Thr; c.109C>A, p.Pro37Thr (NM_001167595.2, NM_203382.3); short protein forms P37T.
Identifiers: ClinVar variation 501618 (VCV000501618.21), dbSNP rs199734111, ClinGen allele CA3226294.
Genomic context (GRCh38, chr5:34,007,911, plus strand): 5'-GGTCCAGCACTAGCGAGCGCTTGCCCCGGCCCAAGCGGCTCACGTCGTAGCGGGAGCCGG[G>T]CCGGTCCACGCGTACCACACGCGCCCCGAAGTCAGCCAGGACCATAGCACAGAACGGGCC-3'
Protein context (NP_055139.4, residues 27-47): FGARVVRVDR[Pro37Thr]GSRYDVSRLG